The following is an entry in ClinVar:

NM_024312.5(GNPTAB):c.2991T>G (p.Tyr997Ter)

Gene: GNPTAB (N-acetylglucosamine-1-phosphate transferase subunits alpha and beta; minus strand). Cytogenetic location: 12q23.2.
Variant type: single nucleotide variant.
Coding change: c.2991T>G on transcript NM_024312.5 (MANE Select); coding-DNA position 2991, T replaced by G.
Protein change: p.Tyr997Ter; replaces tyrosine 997 with a stop codon.
Molecular consequence: nonsense.
Genome position (GRCh38, 1-based): chr12:101,761,271, A>C on the plus strand (T>G on the coding strand, the complement: GNPTAB is on the minus strand). VCF-style: chr12-101761271-A-C. GRCh37 (hg19) VCF-style: chr12-102155049-A-C.
Other names: short protein forms Y997*.
Identifiers: ClinVar variation 860954 (VCV000860954.7), dbSNP rs1952988471, ClinGen allele CA386295885.
Genomic context (GRCh38, chr12:101,761,271, plus strand): 5'-AACTTCATCAAAGACTTGAGATATATTCAGTGGCTGCACTGCACTCATGAGATAATAAAA[A>C]TAAGAGAAGGCAAACTGCATATCCTCAGAATGGCGCACTTTGTGAAATGACGTCTTGTCA-3'

ClinVar aggregate classification (germline): Pathogenic (1 of 4 stars; one submission).

Conditions:
Mucolipidosis type II. Also called: Mucolipidosis II Alpha/Beta; ML II ALPHA/BETA; Mucolipidosis 2; ML 2; Inclusion cell disease; Leroy Disease. Identifiers: Orphanet 576, MedGen C2673377, MONDO:0009650, OMIM 252500.
Pseudo-Hurler polydystrophy. Also called: MUCOLIPIDOSIS IIIA; ML III; ML III ALPHA/BETA; Type III Mucolipidosis; Mucolipidosis III Alpha/Beta; ML IIIA. Identifiers: Orphanet 423461, Orphanet 577, MedGen C0033788, MONDO:0018931, OMIM 252600.

Submission:

Labcorp Genetics (formerly Invitae), Labcorp
Classification: Pathogenic for Pseudo-Hurler polydystrophy; Mucolipidosis type II. Last evaluated: 2020-11-05. Review status: criteria provided, single submitter. Criteria: Invitae Variant Classification Sherloc (09022015). Collection method: clinical testing. Allele origin: germline.
Comment: For these reasons, this variant has been classified as Pathogenic. Algorithms developed to predict the effect of sequence changes on RNA splicing suggest that this variant may create or strengthen a splice site, but this prediction has not been confirmed by published transcriptional studies. This variant has not been reported in the literature in individuals with GNPTAB-related conditions. ClinVar contains an entry for this variant (Variation ID: 860954). This variant is not present in population databases (ExAC no frequency). This sequence change creates a premature translational stop signal (p.Tyr997*) in the GNPTAB gene. It is expected to result in an absent or disrupted protein product. Loss-of-function variants in GNPTAB are known to be pathogenic (PMID: 19617216, 25107912).

Literature cited by the submitters: PubMed 19617216; PubMed 25107912.